The following is an entry in ClinVar:

NM_001844.5(COL2A1):c.1300C>T (p.Pro434Ser)

Gene: COL2A1 (collagen type II alpha 1 chain; minus strand). Cytogenetic location: 12q13.11.
Variant type: single nucleotide variant.
Coding change: c.1300C>T on transcript NM_001844.5 (MANE Select); coding-DNA position 1300, C replaced by T.
Protein change: p.Pro434Ser; replaces proline 434 with serine.
Molecular consequence: missense variant.
Genome position (GRCh38, 1-based): chr12:47,987,143, G>A on the plus strand (C>T on the coding strand, the complement: COL2A1 is on the minus strand). VCF-style: chr12-47987143-G-A. GRCh37 (hg19) VCF-style: chr12-48380926-G-A.
Other names: c.1093C>T, p.Pro365Ser (NM_033150.3); short protein forms P434S, P365S.
Identifiers: ClinVar variation 424568 (VCV000424568.54), dbSNP rs140985224, ClinGen allele CA6535523.
Genomic context (GRCh38, chr12:47,987,143, plus strand): 5'-GACCTTTCGGGCCCAGAGGACCAGTTGCACCTTGAGGGCCAGGAGGGCCCCGTGGCCCAG[G>A]GAAGCCAGGAGCACCAGCAATGCCAGGAGCACCCTGTGGGCATGAGAAGAAGGGAGGGGT-3'
Protein context (NP_001835.3, residues 424-444): APGIAGAPGF[Pro434Ser]GPRGPPGPQG

ClinVar aggregate classification (germline): Conflicting classifications of pathogenicity. Review status: criteria provided, conflicting classifications (1 of 4 stars). 11 submissions from 10 submitters: Uncertain significance (2); Benign (3); Likely benign (5). 1 of the submissions does not count toward it. Last evaluated 2026-01-27.

Conditions:
COL2A1-related disorder. Also called: COL2A1-related condition; COL2A1-related disorders.
Type 2 collagenopathy. Identifiers: Orphanet 93421, MedGen C2931073, MONDO:0022800.
Stickler syndrome type 1 (STL1). Also called: ARTHROOPHTHALMOPATHY, HEREDITARY PROGRESSIVE; STICKLER SYNDROME, MEMBRANOUS VITREOUS TYPE; STICKLER SYNDROME, VITREOUS TYPE 1; COL2A1-Related Stickler Syndrome. Identifiers: Orphanet 828, Orphanet 90653, MedGen C2020284, MONDO:0007160, OMIM 108300.
Hearing impairment. Also called: Impaired Hearing. Identifiers: MedGen C1384666, MONDO:0005365, HP:0000365.

Allele frequency attached by ClinVar (database versions not stated): 1000 Genomes Project 0.00040; ExAC 0.00053; gnomAD 0.00053; gnomAD exomes 0.00056 and 0.00077; TOPMed 0.00059; 1000 Genomes Project 30x 0.00062; ESP Exome Variant Server 0.00108.
gnomAD v4.1: 1,191 of 1,614,142 alleles (0.074%); highest among the groups gnomAD compares: Non-Finnish European, 0.096%; 1 homozygote.

Submissions (11):

Labcorp Genetics (formerly Invitae), Labcorp
Classification: Likely benign. Last evaluated: 2026-01-27. Review status: criteria provided, single submitter. Criteria: Invitae Variant Classification Sherloc (09022015). Collection method: clinical testing. Allele origin: germline.

CeGaT Center for Human Genetics Tuebingen
Classification: Benign. Last evaluated: 2025-09-01. Review status: criteria provided, single submitter. Criteria: CeGaT Center For Human Genetics Tuebingen Variant Classification Criteria Version 2. Collection method: clinical testing. Allele origin: germline. Affected: yes. Observed: 3 variant alleles.
Comment: COL2A1: PP2, BS1, BS2

Women's Health and Genetics/Laboratory Corporation of America, LabCorp
Classification: Likely benign. Last evaluated: 2025-02-10. Review status: criteria provided, single submitter. Criteria: LabCorp Variant Classification Summary - May 2015. Collection method: clinical testing. Allele origin: germline.

Blueprint Genetics
Classification: Likely benign. Last evaluated: 2024-11-26. Review status: criteria provided, single submitter. Criteria: ACMG Guidelines, 2015. Collection method: clinical testing. Allele origin: germline.

Department of Otolaryngology – Head & Neck Surgery, Cochlear Implant Center
Classification: Benign for Hearing impairment. Last evaluated: 2021-04-12. Review status: criteria provided, single submitter. Criteria: ClinGen HL ACMG Specifications v1. Collection method: clinical testing. Allele origin: germline. Affected: yes.
Comment: PS1_Moderate, PP3_Supporting, BS1_Strong, BS2_Strong

ARUP Laboratories, Molecular Genetics and Genomics, ARUP Laboratories
Classification: Likely benign. Last evaluated: 2020-12-16. Review status: criteria provided, single submitter. Criteria: ARUP Molecular Germline Variant Investigation Process 2021. Collection method: clinical testing. Allele origin: germline.

GeneDx
Classification: Likely benign. Last evaluated: 2020-10-21. Review status: criteria provided, single submitter. Criteria: GeneDx Variant Classification Process June 2021. Collection method: clinical testing. Allele origin: germline. Affected: yes.
Comment: Occurs in the triple helical domain at the Y position in the canonical Gly-X-Y repeat and may have an effect on normal protein folding and function, though missense substitution at the Y position is not a common mechanism of disease (Stenson et al., 2014); In silico analysis, which includes protein predictors and evolutionary conservation, supports a deleterious effect; This variant is associated with the following publications: (PMID: 26626311)

Illumina Laboratory Services, Illumina
Classification: Uncertain significance for Stickler syndrome type 1. Last evaluated: 2017-04-27. Review status: criteria provided, single submitter. Criteria: ICSL Variant Classification Criteria 13 December 2019. Collection method: clinical testing. Allele origin: germline.

Illumina Laboratory Services, Illumina
Classification: Benign for Type II Collagenopathies. Last evaluated: 2017-04-27. Review status: criteria provided, single submitter. Criteria: ICSL Variant Classification Criteria 13 December 2019. Collection method: clinical testing. Allele origin: germline.
Comment: This variant was observed as part of a predisposition screen in an ostensibly healthy population. A literature search was performed for the gene, cDNA change, and amino acid change (where applicable). Publications were found based on this search. The evidence from the literature, in combination with allele frequency data from public databases where available, was sufficient to rule this variant out of causing disease. Therefore, this variant is classified as benign.

Eurofins Ntd Llc (ga)
Classification: Uncertain significance. Last evaluated: 2017-03-06. Review status: criteria provided, single submitter. Criteria: EGL Classification Definitions 2015. Collection method: clinical testing. Allele origin: germline. Observed: 4 variant alleles, 4 heterozygotes.

PreventionGenetics, part of Exact Sciences
Classification: Likely benign for COL2A1-related condition. Last evaluated: 2021-09-16. Review status: no assertion criteria provided. Collection method: clinical testing. Allele origin: germline. Not counted in ClinVar's aggregate classification.
Comment: This variant is classified as likely benign based on ACMG/AMP sequence variant interpretation guidelines (Richards et al. 2015 PMID: 25741868, with internal and published modifications).

Literature cited by the submitters: PubMed 26626311 (cited by Department of Otolaryngology – Head & Neck Surgery, Cochlear Implant Center and Illumina Laboratory Services, Illumina).